The following is an entry in ClinVar:

NM_144988.4(ALG14):c.190T>C (p.Ser64Pro)

Genes: ALG14 (ALG14 UDP-N-acetylglucosaminyltransferase subunit; minus strand), ALG14-AS1 (ALG14 antisense RNA 1; plus strand). Cytogenetic location: 1p21.3.
Variant type: single nucleotide variant.
Coding change: c.190T>C on transcript NM_144988.4 (MANE Select); coding-DNA position 190, T replaced by C.
Protein change: p.Ser64Pro; replaces serine 64 with proline.
Molecular consequence: missense variant.
Genome position (GRCh38, 1-based): chr1:95,064,964, A>G on the plus strand (T>C on the coding strand, the complement: ALG14 is on the minus strand). VCF-style: chr1-95064964-A-G. GRCh37 (hg19) VCF-style: chr1-95530520-A-G.
Other names: c.190T>C, p.Ser64Pro (NM_001305242.2); short protein forms S64P.
Identifiers: ClinVar variation 2075761 (VCV002075761.2), dbSNP rs781738381, ClinGen allele CA961849.

ClinVar aggregate classification (germline): Uncertain significance (1 of 4 stars; one submission).

Conditions:
Congenital myasthenic syndrome 15. Also called: Myasthenic syndrome, congenital, 15, without tubular aggregates. Identifiers: Orphanet 353327, Orphanet 590, MedGen C4015596, MONDO:0014542, OMIM 616227.

Allele frequency attached by ClinVar (database versions not stated): TOPMed below 0.00001; ExAC 0.00001; gnomAD 0.00001; gnomAD exomes 0.00002.
gnomAD v4.1: 25 of 1,613,590 alleles (0.0015%); highest among the groups gnomAD compares: Non-Finnish European, 0.0021%; no homozygotes.

Submission:

Labcorp Genetics (formerly Invitae), Labcorp
Classification: Uncertain significance for Congenital myasthenic syndrome 15. Last evaluated: 2022-06-13. Review status: criteria provided, single submitter. Criteria: Invitae Variant Classification Sherloc (09022015). Collection method: clinical testing. Allele origin: germline.
Comment: In summary, the available evidence is currently insufficient to determine the role of this variant in disease. Therefore, it has been classified as a Variant of Uncertain Significance. Algorithms developed to predict the effect of missense changes on protein structure and function are either unavailable or do not agree on the potential impact of this missense change (SIFT: "Tolerated"; PolyPhen-2: "Possibly Damaging"; Align-GVGD: "Class C0"). This variant has not been reported in the literature in individuals affected with ALG14-related conditions. This variant is present in population databases (rs781738381, gnomAD 0.004%). This sequence change replaces serine, which is neutral and polar, with proline, which is neutral and non-polar, at codon 64 of the ALG14 protein (p.Ser64Pro).